The following is an entry in ClinVar:

NM_000064.4(C3):c.2067G>A (p.Glu689=)

Gene: C3 (complement C3; minus strand). Cytogenetic location: 19p13.3.
Variant type: single nucleotide variant.
Coding change: c.2067G>A on transcript NM_000064.4 (MANE Select); coding-DNA position 2067, G replaced by A.
Protein change: p.Glu689=; no amino-acid change (glutamic acid 689 retained).
Molecular consequence: synonymous variant.
Genome position (GRCh38, 1-based): chr19:6,707,254, C>T on the plus strand (G>A on the coding strand, the complement: C3 is on the minus strand). VCF-style: chr19-6707254-C-T. GRCh37 (hg19) VCF-style: chr19-6707265-C-T.
Other names: p.Glu689=; c.2067G>A (LRG_27t1).
Identifiers: ClinVar variation 330312 (VCV000330312.29), dbSNP rs147477257, ClinGen allele CA9129195.

ClinVar aggregate classification (germline): Conflicting classifications of pathogenicity. Review status: criteria provided, conflicting classifications (1 of 4 stars). 11 submissions from 9 submitters: Uncertain significance (1); Benign (1); Likely benign (6). 3 of the submissions do not count toward it. Last evaluated 2026-04-01.

Conditions:
Age related macular degeneration 9. Identifiers: MedGen C1969651, MONDO:0012659, OMIM 611378.
Atypical hemolytic-uremic syndrome with C3 anomaly. Also called: AHUS, SUSCEPTIBILITY TO, 5. Identifiers: Orphanet 2134, MedGen C2752037, MONDO:0013043, OMIM 612925.
Atypical hemolytic-uremic syndrome. Identifiers: Orphanet 2134, MedGen C2931788, MONDO:0016244.
Complement component 3 deficiency. Identifiers: Orphanet 280133, MedGen C3151071, MONDO:0013417, OMIM 613779.

Allele frequency attached by ClinVar (database versions not stated): TOPMed 0.00102; gnomAD exomes 0.00104 and 0.00150; gnomAD 0.00111 and 0.00118; ExAC 0.00124; ESP Exome Variant Server 0.00131.
gnomAD v4.1: 2,309 of 1,611,634 alleles (0.14%); highest among the groups gnomAD compares: Non-Finnish European, 0.19%; 4 homozygotes.

Submissions (11):

CeGaT Center for Human Genetics Tuebingen
Classification: Likely benign. Last evaluated: 2026-04-01. Review status: criteria provided, single submitter. Criteria: CeGaT Center For Human Genetics Tuebingen Variant Classification Criteria Version 2. Collection method: clinical testing. Allele origin: germline. Affected: yes. Observed: 2 variant alleles.
Comment: C3: BP4, BP7

Labcorp Genetics (formerly Invitae), Labcorp
Classification: Likely benign. Last evaluated: 2025-12-08. Review status: criteria provided, single submitter. Criteria: Invitae Variant Classification Sherloc (09022015). Collection method: clinical testing. Allele origin: germline.

Mayo Clinic Laboratories, Mayo Clinic
Classification: Likely benign. Last evaluated: 2025-09-17. Review status: criteria provided, single submitter. Criteria: ACMG Guidelines, 2015. Collection method: clinical testing. Allele origin: germline. Observed: 5 variant alleles.

Blueprint Genetics
Classification: Likely benign. Last evaluated: 2024-10-25. Review status: criteria provided, single submitter. Criteria: ACMG Guidelines, 2015. Collection method: clinical testing. Allele origin: germline.

Genome Diagnostics Laboratory, The Hospital for Sick Children
Classification: Likely benign for Atypical hemolytic-uremic syndrome. Last evaluated: 2020-05-01. Review status: criteria provided, single submitter. Criteria: ACMG Guidelines, 2015. Collection method: clinical testing. Allele origin: germline.

Illumina Laboratory Services, Illumina
Classification: Benign for Atypical hemolytic-uremic syndrome with C3 anomaly. Last evaluated: 2018-01-12. Review status: criteria provided, single submitter. Criteria: ICSL Variant Classification Criteria 13 December 2019. Collection method: clinical testing. Allele origin: germline.
Comment: This variant was observed in the ICSL laboratory as part of a predisposition screen in an ostensibly healthy population. It had not been previously curated by ICSL or reported in the Human Gene Mutation Database (HGMD: prior to June 1st, 2018), and was therefore a candidate for classification through an automated scoring system. Utilizing variant allele frequency, disease prevalence and penetrance estimates, and inheritance mode, an automated score was calculated to assess if this variant is too frequent to cause the disease. Based on the score and internal cut-off values, a variant classified as benign is not then subjected to further curation. The score for this variant resulted in a classification of benign for this disease.

Illumina Laboratory Services, Illumina
Classification: Likely benign for Age related macular degeneration 9. Last evaluated: 2018-01-12. Review status: criteria provided, single submitter. Criteria: ICSL Variant Classification Criteria 13 December 2019. Collection method: clinical testing. Allele origin: germline.
Comment: This variant was observed in the ICSL laboratory as part of a predisposition screen in an ostensibly healthy population. It had not been previously curated by ICSL or reported in the Human Gene Mutation Database (HGMD: prior to June 1st, 2018), and was therefore a candidate for classification through an automated scoring system. Utilizing variant allele frequency, disease prevalence and penetrance estimates, and inheritance mode, an automated score was calculated to assess if this variant is too frequent to cause the disease. Based on the score and internal cut-off values, a variant classified as likely benign is not then subjected to further curation. The score for this variant resulted in a classification of likely benign for this disease.

Illumina Laboratory Services, Illumina
Classification: Uncertain significance for Complement component 3 deficiency. Last evaluated: 2018-01-12. Review status: criteria provided, single submitter. Criteria: ICSL Variant Classification Criteria 13 December 2019. Collection method: clinical testing. Allele origin: germline.

Clinical Genetics DNA and cytogenetics Diagnostics Lab, Erasmus MC, Erasmus Medical Center
Classification: Likely benign. Review status: no assertion criteria provided. Collection method: clinical testing. Allele origin: germline. Affected: yes. Study: VKGL Data-share Consensus. Not counted in ClinVar's aggregate classification.

Genome Diagnostics Laboratory, University Medical Center Utrecht
Classification: Likely benign. Review status: no assertion criteria provided. Collection method: clinical testing. Allele origin: germline. Affected: yes. Study: VKGL Data-share Consensus. Not counted in ClinVar's aggregate classification.

Joint Genome Diagnostic Labs from Nijmegen and Maastricht, Radboudumc and MUMC+
Classification: Likely benign. Review status: no assertion criteria provided. Collection method: clinical testing. Allele origin: germline. Affected: yes. Study: VKGL Data-share Consensus. Not counted in ClinVar's aggregate classification.